The following is an entry in ClinVar:

ClinVar aggregate classification (germline): Conflicting classifications of pathogenicity. Review status: criteria provided, conflicting classifications (1 of 4 stars). 8 submissions from 8 submitters: Uncertain significance (5); Likely benign (3). Last evaluated 2025-12-27.

Conditions:
Cardiovascular phenotype. Identifiers: MedGen CN230736.
Long QT syndrome (LQTS). Identifiers: MedGen C0023976, MeSH D008133, MONDO:0002442. Disease mechanism: loss of function. Inheritance: Various modes of inheritance.
Cardiac arrhythmia, ankyrin-B-related. Also called: ANKYRIN-B SYNDROME. Identifiers: Orphanet 101016, Orphanet 768, MedGen C1970119, MONDO:0010958, OMIM 600919.

Allele frequency attached by ClinVar (database versions not stated): gnomAD 0.00009; gnomAD exomes 0.00010 and 0.00012; TOPMed 0.00010; ExAC 0.00015.

Submissions (8):

Labcorp Genetics (formerly Invitae), Labcorp
Classification: Uncertain significance for Long QT syndrome. Last evaluated: 2025-12-27. Review status: criteria provided, single submitter. Criteria: Invitae Variant Classification Sherloc (09022015). Collection method: clinical testing. Allele origin: germline.
Comment: This sequence change replaces aspartic acid, which is acidic and polar, with asparagine, which is neutral and polar, at codon 293 of the ANK2 protein (p.Asp293Asn). This variant is present in population databases (rs752213208, gnomAD 0.02%). This missense change has been observed in individual(s) with clinical features of ANK2-related conditions (PMID: 33004838). ClinVar contains an entry for this variant (Variation ID: 527005). An algorithm developed to predict the effect of missense changes on protein structure and function (PolyPhen-2) suggests that this variant is likely to be disruptive. In summary, the available evidence is currently insufficient to determine the role of this variant in disease. Therefore, it has been classified as a Variant of Uncertain Significance.

Molecular Diagnostic Laboratory for Inherited Cardiovascular Disease, Montreal Heart Institute
Classification: Uncertain significance for Cardiovascular phenotype. Last evaluated: 2025-04-09. Review status: criteria provided, single submitter. Criteria: ACMG Guidelines, 2015. Collection method: clinical testing. Allele origin: germline. Affected: yes.

Blueprint Genetics
Classification: Likely benign. Last evaluated: 2024-09-18. Review status: criteria provided, single submitter. Criteria: ACMG Guidelines, 2015. Collection method: clinical testing. Allele origin: germline.

Ambry Genetics
Classification: Likely benign for Cardiovascular phenotype. Last evaluated: 2023-05-31. Review status: criteria provided, single submitter. Criteria: Ambry Variant Classification Scheme 2023. Collection method: clinical testing. Allele origin: germline.

Clinical Genetics Laboratory, Skane University Hospital Lund
Classification: Likely benign. Last evaluated: 2022-05-27. Review status: criteria provided, single submitter. Criteria: ACMG Guidelines, 2015. Collection method: clinical testing. Allele origin: germline. Affected: yes.

Fulgent Genetics
Classification: Uncertain significance for Cardiac arrhythmia, ankyrin-B-related. Last evaluated: 2021-08-27. Review status: criteria provided, single submitter. Criteria: ACMG Guidelines, 2015. Collection method: clinical testing. Allele origin: unknown.

ARUP Laboratories, Molecular Genetics and Genomics, ARUP Laboratories
Classification: Uncertain significance. Last evaluated: 2020-06-19. Review status: criteria provided, single submitter. Criteria: ARUP Molecular Germline Variant Investigation Process. Collection method: clinical testing. Allele origin: germline.
Comment: The p.Asp293Asn variant (rs752213208) has not been reported in the medical literature or gene specific variation databases. This variant is listed in the Genome Aggregation Database (gnomAD) with an overall population frequency of 0.01 percent (identified on 31 out of 282,820 chromosomes), and has been reported to the ClinVar database (Variation ID: 527005). The aspartic acid at position 293 is moderately conserved and computational analyses of the effects of the p.Asp293Asn variant on protein structure and function is conflicting (SIFT: tolerated, PolyPhen-2: probably damaging). Altogether, there is not enough evidence to classify the p.Asp293Asn variant with certainty.

GeneDx
Classification: Uncertain significance. Last evaluated: 2019-07-12. Review status: criteria provided, single submitter. Criteria: GeneDx Variant Classification Process June 2021. Collection method: clinical testing. Allele origin: germline. Affected: yes.
Comment: Has not been previously published as pathogenic or benign in association with arrhythmia to our knowledge; Reported in ClinVar as a variant of uncertain significance but additional evidence is not available (ClinVar Variant ID# 527005; Landrum et al., 2016); In silico analysis, which includes protein predictors and evolutionary conservation, supports a deleterious effect; This variant is associated with the following publications: (PMID: 30564305)

Literature cited by the submitters: PubMed 33004838 (cited by Labcorp Genetics (formerly Invitae), Labcorp); PubMed 28518168 (cited by Ambry Genetics); PubMed 32461654 (cited by Ambry Genetics).

NM_001148.6(ANK2):c.877G>A (p.Asp293Asn)

Gene: ANK2 (ankyrin 2; plus strand). Cytogenetic location: 4q26.
Variant type: single nucleotide variant.
Coding change: c.877G>A on transcript NM_001148.6 (MANE Select); coding-DNA position 877, G replaced by A.
Protein change: p.Asp293Asn; replaces aspartic acid 293 with asparagine.
Molecular consequence: missense variant.
Genome position (GRCh38, 1-based): chr4:113,242,195, G>A. VCF-style: chr4-113242195-G-A. GRCh37 (hg19) VCF-style: chr4-114163351-G-A.
Other names: c.877G>A (NM_001148.5); c.814G>A, p.Asp272Asn (NM_001127493.3, NM_001354239.2, NM_001354243.2 and 14 more transcripts); c.877G>A, p.Asp293Asn (NM_001354225.2, NM_001354228.2, NM_001354232.2 and 9 more transcripts); c.922G>A, p.Asp308Asn (NM_001354230.2, NM_001354231.2, NM_001354237.2 and 5 more transcripts); c.790G>A, p.Asp264Asn (NM_001354249.2, NM_001354260.2, NM_001354264.2 and 16 more transcripts); c.835G>A, p.Asp279Asn (NM_001354261.2, NM_001386147.1, NM_001386160.1); c.865G>A, p.Asp289Asn (NM_001354269.3, NM_001386148.2, NM_001386186.2); c.928G>A, p.Asp310Asn (NM_001386174.1); and 2 more; short protein forms D293N, D272N, D289N, D308N, D264N, D279N, D281N, D302N.
Identifiers: ClinVar variation 527005 (VCV000527005.24), dbSNP rs752213208, ClinGen allele CA3050127.
Genomic context (GRCh38, chr4:113,242,195, plus strand): 5'-GCTTCCAAAAGAGGAAATACAAACATGGTGAAGCTCTTACTGGATCGAGGCGGTCAGATC[G>A]ATGCCAAAACTAGGGTGAGTGTCTCTGTTCTTTCAATTTTCTACCATTATTATTTCTTTC-3'
Protein context (NP_001139.3, residues 283-303): KLLLDRGGQI[Asp293Asn]AKTRDGLTPL